The following is an entry in ClinVar:

NM_018646.6(TRPV6):c.530_533dup (p.Arg179fs)

Gene: TRPV6 (transient receptor potential cation channel subfamily V member 6; minus strand). Cytogenetic location: 7q34.
Variant type: Duplication.
Coding change: c.530_533dup on transcript NM_018646.6 (MANE Select); coding-DNA positions 530 to 533, 4 bases duplicated (TTGC; older notation c.530_533dupTTGC).
Protein change: p.Arg179fs; shifts the reading frame from arginine 179.
Molecular consequence: frameshift variant.
Genome position (GRCh38, 1-based): chr7:142,877,216-142,877,219, GCAA duplicated on the plus strand (TTGC on the coding strand, the reverse complement: TRPV6 is on the minus strand); duplicating any 4 consecutive bases within chr7:142,877,216-142,877,222 gives the same sequence; the c. name uses the placement nearest the transcript's 3' end. VCF-style (leftmost placement, unchanged base first): chr7-142877215-G-GGCAA. GRCh37 (hg19) VCF-style: chr7-142574968-G-GGCAA.
Other names: c.530_533dupTTGC (NM_018646.5); short protein forms R179fs.
Identifiers: ClinVar variation 590765 (VCV000590765.10), dbSNP rs766719790, ClinGen allele CA4532833.

ClinVar aggregate classification (germline): Pathogenic. Review status: criteria provided, multiple submitters, no conflicts (2 of 4 stars). 5 submissions from 5 submitters: Pathogenic (4). 1 of the submissions does not count toward it. Last evaluated 2026-09-17.

Conditions:
TRPV6-related disorder. Also called: TRPV6-related condition.
Hyperparathyroidism, transient neonatal. Identifiers: MedGen C1300287, MONDO:0032591, OMIM 618188.

Submissions (5):

GeneDx
Classification: Pathogenic. Last evaluated: 2026-09-17. Review status: criteria provided, single submitter. Criteria: GeneDx Variant Classification Process June 2021. Collection method: clinical testing. Allele origin: germline.
Comment: Observed in homozygous state in a patient with transient neonatal hyperparathyroidism in the literature and not observed in homozygous state in controls (PMID: 29861107); Frameshift variant predicted to result in protein truncation or nonsense mediated decay in a gene for which loss of function is a known mechanism of disease; This variant is associated with the following publications: (PMID: 29861107)

PreventionGenetics, part of Exact Sciences
Classification: Pathogenic for TRPV6-related condition. Last evaluated: 2025-03-19. Review status: criteria provided, single submitter. Criteria: ACMG Guidelines, 2015. Collection method: clinical testing. Allele origin: germline.
Comment: The TRPV6 c.530_533dupTTGC variant is predicted to result in a frameshift and premature protein termination (p.Arg179Cysfs*18). This variant was reported in an individual with transient neonatal hyperparathyroidism (Suzuki et al. 2018. PubMed ID: 29861107). This variant is reported in 0.033% of alleles in individuals of South Asian descent in gnomAD. Frameshift variants in TRPV6 are expected to be pathogenic. This variant is interpreted as pathogenic.

Revvity Omics, Revvity
Classification: Pathogenic for Hyperparathyroidism, transient neonatal. Last evaluated: 2022-07-22. Review status: criteria provided, single submitter. Criteria: ACMG Guidelines, 2015. Collection method: clinical testing. Allele origin: germline.

Neuberg Centre For Genomic Medicine, NCGM
Classification: Pathogenic for Hyperparathyroidism, transient neonatal. Review status: criteria provided, single submitter. Criteria: ACMG Guidelines, 2015. Collection method: clinical testing. Allele origin: germline. Inheritance: Autosomal recessive inheritance. Affected: yes.
Comment: The frameshift variant c.530_533dup (p.Arg179CysfsTer18) in TRPV6 gene has been reported previously in the homozygous state in an individual affected with transient neonatal hyperparathyroidism (Suzuki et al., 2018). The p.Arg179CysfsTer18 variant is reported with the allele frequency (0.003%) in the gnomAD Exomes and is novel (not in any individuals) in 1000 Genomes. This variant has been reported to the ClinVar database as Pathogenic. This variant causes a frameshift starting with codon Arginine 179, changes this amino acid to Cysteine residue, and creates a premature Stop codon at position 18 of the new reading frame, denoted p.Arg179CysfsTer18. This variant is predicted to cause loss of normal protein function through protein truncation. Loss of function variants have been previously reported to be disease causing. For these reasons, this variant has been classified as Pathogenic.

OMIM
Classification: Pathogenic for HYPERPARATHYROIDISM, TRANSIENT NEONATAL. Last evaluated: 2018-11-14. Review status: no assertion criteria provided. Collection method: literature only. Allele origin: germline. Not counted in ClinVar's aggregate classification.

Literature cited by the submitters: PubMed 29861107 (cited by OMIM).